The following is an entry in ClinVar:

NM_001165963.4(SCN1A):c.654C>A (p.Phe218Leu)

Gene: SCN1A (sodium voltage-gated channel alpha subunit 1; minus strand). Cytogenetic location: 2q24.3.
Variant type: single nucleotide variant.
Coding change: c.654C>A on transcript NM_001165963.4 (MANE Select); coding-DNA position 654, C replaced by A.
Protein change: p.Phe218Leu; replaces phenylalanine 218 with leucine.
Molecular consequence: missense variant. On other transcripts: 5 prime UTR variant (1), non-coding transcript variant (1).
Genome position (GRCh38, 1-based): chr2:166,052,892, G>T on the plus strand (C>A on the coding strand, the complement: SCN1A is on the minus strand). VCF-style: chr2-166052892-G-T. GRCh37 (hg19) VCF-style: chr2-166909402-G-T.
Other names: c.654C>A, p.Phe218Leu (NM_001165964.3, NM_001202435.3, NM_001353948.2 and 10 more transcripts); c.-1772C>A (NM_001353961.2); short protein forms F218L.
Identifiers: ClinVar variation 4800298 (VCV004800298.1).

ClinVar aggregate classification (germline): Pathogenic (1 of 4 stars; one submission).

Conditions:
Early-infantile DEE. Also called: Early infantile epileptic encephalopathy with suppression bursts; Early infantile epileptic encephalopathy; Ohtahara syndrome. Identifiers: Orphanet 1934, MedGen C0393706, MONDO:0800491.

Submission:

Labcorp Genetics (formerly Invitae), Labcorp
Classification: Pathogenic for Early-infantile DEE. Last evaluated: 2025-11-17. Review status: criteria provided, single submitter. Criteria: Invitae Variant Classification Sherloc (09022015). Collection method: clinical testing. Allele origin: germline.
Comment: This sequence change replaces phenylalanine, which is neutral and non-polar, with leucine, which is neutral and non-polar, at codon 218 of the SCN1A protein (p.Phe218Leu). This variant is not present in population databases (gnomAD no frequency). A different variant (c.652T>C) giving rise to the same protein effect has been determined to be pathogenic (PMID: 19339291, 32090326, 35074891). This suggests that this variant is also likely to be causative of disease. Invitae Evidence Modeling of protein sequence and biophysical properties (such as structural, functional, and spatial information, amino acid conservation, physicochemical variation, residue mobility, and thermodynamic stability) indicates that this missense variant is expected to disrupt SCN1A protein function with a positive predictive value of 95%. For these reasons, this variant has been classified as Pathogenic.

Literature cited by the submitters: PubMed 19339291; PubMed 32090326; PubMed 35074891.